The following is an entry in ClinVar:

NM_144772.3(NAXE):c.717A>T (p.Ile239=)

Gene: NAXE (NAD(P)HX epimerase; plus strand). Cytogenetic location: 1q22.
Variant type: single nucleotide variant.
Coding change: c.717A>T on transcript NM_144772.3 (MANE Select); coding-DNA position 717, A replaced by T.
Protein change: p.Ile239=; no amino-acid change (isoleucine 239 retained).
Molecular consequence: synonymous variant.
Genome position (GRCh38, 1-based): chr1:156,593,934, A>T. VCF-style: chr1-156593934-A-T. GRCh37 (hg19) VCF-style: chr1-156563726-A-T.
Identifiers: ClinVar variation 1902083 (VCV001902083.7), dbSNP rs6427322, ClinGen allele CA1162907.
Genomic context (GRCh38, chr1:156,593,934, plus strand): 5'-CTTTTCAGGATGGGACGTGGAGAAGGGAAATGCTGGAGGGATCCAGCCAGACTTGCTCAT[A>T]TCCCTCACAGCCCCCAAAAAATCTGCAACCCAGTTTACCGGTCGCTACCATTACCTGGGG-3'
Protein context (NP_658985.2, residues 229-249): NAGGIQPDLL[Ile239=]SLTAPKKSAT

ClinVar aggregate classification (germline): Conflicting classifications of pathogenicity. Review status: criteria provided, conflicting classifications (1 of 4 stars). 2 submissions from 2 submitters: Uncertain significance (1); Likely benign (1). Last evaluated 2024-06-17.

Submissions (5):

Blueprint Genetics
Classification: Likely benign. Last evaluated: 2024-06-17. Review status: criteria provided, single submitter. Criteria: ACMG Guidelines, 2015. Collection method: clinical testing. Allele origin: germline.

Labcorp Genetics (formerly Invitae), Labcorp
Classification: Uncertain significance. Last evaluated: 2023-09-01. Review status: criteria provided, single submitter. Criteria: Invitae Variant Classification Sherloc (09022015). Collection method: clinical testing. Allele origin: germline.
Comment: ClinVar contains an entry for this variant (Variation ID: 1902083). This variant has not been reported in the literature in individuals affected with NAXE-related conditions. This sequence change affects codon 239 of the NAXE mRNA. It is a 'silent' change, meaning that it does not change the encoded amino acid sequence of the NAXE protein. This variant is present in population databases (rs6427322, gnomAD 0.003%). Algorithms developed to predict the effect of sequence changes on RNA splicing suggest that this variant may create or strengthen a splice site. In summary, the available evidence is currently insufficient to determine the role of this variant in disease. Therefore, it has been classified as a Variant of Uncertain Significance.

Dr. Peter K. Rogan Lab, Western University
No classification provided (evidence only). Condition: Nonpapillary renal cell carcinoma. Review status: no classification provided. Collection method: in vitro. Allele origin: not applicable. Functional consequence: cryptic splice site. Not counted in ClinVar's aggregate classification.

Dr. Peter K. Rogan Lab, Western University
No classification provided (evidence only). Condition: Nonpapillary renal cell carcinoma. Review status: no classification provided. Collection method: in vitro. Allele origin: not applicable. Functional consequence: cryptic splice site, retained intron. Not counted in ClinVar's aggregate classification.

Dr. Peter K. Rogan Lab, Western University
No classification provided (evidence only). Condition: Nonpapillary renal cell carcinoma. Review status: no classification provided. Collection method: in vitro. Allele origin: not applicable. Functional consequence: cryptic splice site. Not counted in ClinVar's aggregate classification.